The following is an entry in ClinVar:

ClinVar aggregate classification (germline): Uncertain significance (1 of 4 stars; one submission).

Allele frequency attached by ClinVar (database versions not stated): gnomAD 0.00001; ExAC 0.00002; gnomAD exomes 0.00002; 1000 Genomes Project 30x 0.00016; 1000 Genomes Project 0.00020.

Submission:

Labcorp Genetics (formerly Invitae), Labcorp
Classification: Uncertain significance. Last evaluated: 2023-06-29. Review status: criteria provided, single submitter. Criteria: Invitae Variant Classification Sherloc (09022015). Collection method: clinical testing. Allele origin: germline.
Comment: In summary, the available evidence is currently insufficient to determine the role of this variant in disease. Therefore, it has been classified as a Variant of Uncertain Significance. Algorithms developed to predict the effect of missense changes on protein structure and function output the following: SIFT: "Not Available"; PolyPhen-2: "Benign"; Align-GVGD: "Not Available". The arginine amino acid residue is found in multiple mammalian species, which suggests that this missense change does not adversely affect protein function. ClinVar contains an entry for this variant (Variation ID: 1504626). This variant has not been reported in the literature in individuals affected with SLC30A10-related conditions. This variant is present in population databases (rs202169262, gnomAD 0.006%). This sequence change replaces glycine, which is neutral and non-polar, with arginine, which is basic and polar, at codon 418 of the SLC30A10 protein (p.Gly418Arg).

NM_018713.3(SLC30A10):c.1252G>C (p.Gly418Arg)

Gene: SLC30A10 (solute carrier family 30 member 10; minus strand). Cytogenetic location: 1q41.
Variant type: single nucleotide variant.
Coding change: c.1252G>C on transcript NM_018713.3 (MANE Select); coding-DNA position 1252, G replaced by C.
Protein change: p.Gly418Arg; replaces glycine 418 with arginine.
Molecular consequence: missense variant. On other transcripts: non-coding transcript variant (2).
Genome position (GRCh38, 1-based): chr1:219,915,655, C>G on the plus strand (G>C on the coding strand, the complement: SLC30A10 is on the minus strand). VCF-style: chr1-219915655-C-G. GRCh37 (hg19) VCF-style: chr1-220088997-C-G.
Other names: c.1063G>C, p.Gly355Arg (NM_001376929.1); short protein forms G355R, G418R.
Identifiers: ClinVar variation 1504626 (VCV001504626.8), dbSNP rs202169262, ClinGen allele CA1399144.